The following is an entry in ClinVar:

ClinVar aggregate classification (germline): Conflicting classifications of pathogenicity. Review status: criteria provided, conflicting classifications (1 of 4 stars). 3 submissions from 3 submitters: Uncertain significance (2); Likely benign (1). Last evaluated 2024-09-20.

Conditions:
Diaphanospondylodysostosis. Also called: VERTEBRAL OSSIFICATION, DEFECT IN, WITH NEPHROGENIC RESTS. Identifiers: Orphanet 66637, MedGen C1842691, MONDO:0011946, OMIM 608022.

Allele frequency attached by ClinVar (database versions not stated): gnomAD exomes 0.00001 and 0.00008; gnomAD 0.00003; ExAC 0.00005; TOPMed 0.00008.
gnomAD v4.1: 60 of 1,596,842 alleles (0.0038%); highest among the groups gnomAD compares: East Asian, 0.041%; no homozygotes.

Submissions (3):

3billion
Classification: Likely benign for Diaphanospondylodysostosis. Last evaluated: 2024-09-20. Review status: criteria provided, single submitter. Criteria: ACMG Guidelines, 2015. Collection method: clinical testing. Allele origin: germline. Affected: no.
Comment: The homozygous variant was found in patients diagnosed with another variant in a different gene, with no symptoms related to the gene containing the homozygous variant.

GeneDx
Classification: Uncertain significance. Last evaluated: 2022-08-10. Review status: criteria provided, single submitter. Criteria: GeneDx Variant Classification Process June 2021. Collection method: clinical testing. Allele origin: germline. Affected: yes.
Comment: In silico analysis supports that this missense variant does not alter protein structure/function; Has not been previously published as pathogenic or benign to our knowledge

Labcorp Genetics (formerly Invitae), Labcorp
Classification: Uncertain significance. Last evaluated: 2021-10-28. Review status: criteria provided, single submitter. Criteria: Invitae Variant Classification Sherloc (09022015). Collection method: clinical testing. Allele origin: germline.
Comment: This sequence change replaces alanine, which is neutral and non-polar, with glycine, which is neutral and non-polar, at codon 39 of the BMPER protein (p.Ala39Gly). This variant is present in population databases (rs369009264, gnomAD 0.09%). This variant has not been reported in the literature in individuals affected with BMPER-related conditions. Algorithms developed to predict the effect of missense changes on protein structure and function are either unavailable or do not agree on the potential impact of this missense change (SIFT: "Deleterious"; PolyPhen-2: "Benign"; Align-GVGD: "Class C0"). In summary, the available evidence is currently insufficient to determine the role of this variant in disease. Therefore, it has been classified as a Variant of Uncertain Significance.

NM_001365308.1(BMPER):c.116C>G (p.Ala39Gly)

Gene: BMPER (BMP binding endothelial regulator; plus strand). Cytogenetic location: 7p14.3.
Variant type: single nucleotide variant.
Coding change: c.116C>G on transcript NM_001365308.1 (MANE Select); coding-DNA position 116, C replaced by G.
Protein change: p.Ala39Gly; replaces alanine 39 with glycine.
Molecular consequence: missense variant.
Genome position (GRCh38, 1-based): chr7:33,905,729, C>G. VCF-style: chr7-33905729-C-G. GRCh37 (hg19) VCF-style: chr7-33945341-C-G.
Other names: c.116C>G, p.Ala39Gly (NM_133468.5); c.116C>G (NM_133468.4); short protein forms A39G.
Identifiers: ClinVar variation 1360194 (VCV001360194.4), dbSNP rs369009264, ClinGen allele CA4214893.